The following is an entry in ClinVar:

ClinVar aggregate classification (germline): Pathogenic (1 of 4 stars; one submission).

Conditions:
Familial focal epilepsy with variable foci (FPEVF). Identifiers: Orphanet 98820, MedGen C1858477, MONDO:0020310.

gnomAD v4.1: 1 of 1,614,056 alleles (0.000062%); highest among the groups gnomAD compares: Non-Finnish European, 0.000085%; no homozygotes.

Submission:

Labcorp Genetics (formerly Invitae), Labcorp
Classification: Pathogenic for Familial focal epilepsy with variable foci. Last evaluated: 2024-09-22. Review status: criteria provided, single submitter. Criteria: Invitae Variant Classification Sherloc (09022015). Collection method: clinical testing. Allele origin: germline.
Comment: This sequence change creates a premature translational stop signal (p.Trp1558*) in the DEPDC5 gene. While this is not anticipated to result in nonsense mediated decay, it is expected to disrupt the last 46 amino acid(s) of the DEPDC5 protein. This variant is not present in population databases (gnomAD no frequency). This premature translational stop signal has been observed in individual(s) with DEPDC5-related conditions (PMID: 30093711). This variant disrupts a region of the DEPDC5 protein in which other variant(s) (p.Asp1565*) have been determined to be pathogenic (PMID: 28549235, 31639411). This suggests that this is a clinically significant region of the protein, and that variants that disrupt it are likely to be disease-causing. For these reasons, this variant has been classified as Pathogenic.

Literature cited by the submitters: PubMed 30093711; PubMed 28549235; PubMed 31639411.

NM_001242896.3(DEPDC5):c.4674G>A (p.Trp1558Ter)

Gene: DEPDC5 (DEP domain containing 5, GATOR1 subcomplex subunit; plus strand). Cytogenetic location: 22q12.3.
Variant type: single nucleotide variant.
Coding change: c.4674G>A on transcript NM_001242896.3 (MANE Select); coding-DNA position 4674, G replaced by A.
Protein change: p.Trp1558Ter; replaces tryptophan 1558 with a stop codon.
Molecular consequence: nonsense. On other transcripts: non-coding transcript variant (5).
Genome position (GRCh38, 1-based): chr22:31,906,359, G>A. VCF-style: chr22-31906359-G-A. GRCh37 (hg19) VCF-style: chr22-32302345-G-A.
Other names: c.4647G>A, p.Trp1549Ter (NM_001136029.4); c.4374G>A, p.Trp1458Ter (NM_001242897.2); c.4608G>A, p.Trp1536Ter (NM_001363852.2, NM_001364320.2); c.4440G>A, p.Trp1480Ter (NM_001363854.2, NM_001364319.2); c.4674G>A, p.Trp1558Ter (NM_001364318.2); c.4590G>A, p.Trp1530Ter (NM_001369901.1, NM_001369902.1); c.4581G>A, p.Trp1527Ter (NM_001369903.1, NM_014662.6); short protein forms W1527*, W1530*, W1558*, W1480*, W1536*, W1458*, W1549*.
Identifiers: ClinVar variation 3709135 (VCV003709135.2).